The following is an entry in ClinVar:

ClinVar aggregate classification (germline): Pathogenic/Likely pathogenic. Review status: criteria provided, multiple submitters, no conflicts (2 of 4 stars). 3 submissions from 3 submitters: Pathogenic (2); Likely pathogenic (1). Last evaluated 2024-06-11.

Conditions:
Hereditary breast ovarian cancer syndrome. Also called: Hereditary breast and ovarian cancer syndrome; Breast and ovarian cancer; BRCA1- and BRCA2-Associated Hereditary Breast and Ovarian Cancer; Hereditary breast and ovarian cancer; Hereditary breast and/or ovarian cancer syndrome; Hereditary breast and ovarian cancer syndrome (HBOC). Identifiers: Orphanet 145, MedGen C0677776, MeSH D061325, MONDO:0003582. Disease mechanism: loss of function.
Hereditary cancer-predisposing syndrome. Also called: Hereditary neoplastic syndrome; Neoplastic Syndromes, Hereditary; Tumor predisposition; Hereditary Cancer Syndrome. Identifiers: Orphanet 140162, MedGen C0027672, MeSH D009386, MONDO:0015356.
Familial cancer of breast. Also called: hereditary breast carcinoma; BREAST CANCER, FAMILIAL; Hereditary breast cancer. Identifiers: Orphanet 227535, MedGen C0346153, MONDO:0016419, OMIM 114480. Disease mechanism: loss of function.

Submissions (3):

Ambry Genetics
Classification: Pathogenic for Hereditary cancer-predisposing syndrome. Last evaluated: 2024-06-11. Review status: criteria provided, single submitter. Criteria: Ambry Variant Classification Scheme 2023. Collection method: clinical testing. Allele origin: germline.
Comment: The p.E1695* pathogenic mutation (also known as c.5083G>T), located in coding exon 10 of the BRCA2 gene, results from a G to T substitution at nucleotide position 5083. This changes the amino acid from a glutamic acid to a stop codon within coding exon 10. This alteration is expected to result in loss of function by premature protein truncation or nonsense-mediated mRNA decay. As such, this alteration is interpreted as a disease-causing mutation.

Labcorp Genetics (formerly Invitae), Labcorp
Classification: Pathogenic for Hereditary breast ovarian cancer syndrome. Last evaluated: 2024-05-01. Review status: criteria provided, single submitter. Criteria: Invitae Variant Classification Sherloc (09022015). Collection method: clinical testing. Allele origin: germline.
Comment: This sequence change creates a premature translational stop signal (p.Glu1695*) in the BRCA2 gene. It is expected to result in an absent or disrupted protein product. Loss-of-function variants in BRCA2 are known to be pathogenic (PMID: 20104584). This variant is not present in population databases (gnomAD no frequency). This variant has not been reported in the literature in individuals affected with BRCA2-related conditions. ClinVar contains an entry for this variant (Variation ID: 835736). For these reasons, this variant has been classified as Pathogenic.

Baylor Genetics
Classification: Likely pathogenic for Familial cancer of breast. Last evaluated: 2023-05-11. Review status: criteria provided, single submitter. Criteria: ACMG Guidelines, 2015. Collection method: clinical testing. Allele origin: unknown.

Literature cited by the submitters: PubMed 20104584 (cited by Labcorp Genetics (formerly Invitae), Labcorp).

NM_000059.4(BRCA2):c.5083G>T (p.Glu1695Ter)

Gene: BRCA2 (BRCA2 DNA repair associated; plus strand). Cytogenetic location: 13q13.1.
Variant type: single nucleotide variant.
Coding change: c.5083G>T on transcript NM_000059.4 (MANE Select); coding-DNA position 5083, G replaced by T.
Protein change: p.Glu1695Ter; replaces glutamic acid 1695 with a stop codon.
Molecular consequence: nonsense.
Genome position (GRCh38, 1-based): chr13:32,339,438, G>T. VCF-style: chr13-32339438-G-T. GRCh37 (hg19) VCF-style: chr13-32913575-G-T.
Other names: short protein forms E1695*.
Identifiers: ClinVar variation 835736 (VCV000835736.12), dbSNP rs938190132, ClinGen allele CA387784084.